The following is an entry in ClinVar:

ClinVar aggregate classification (germline): Uncertain significance (1 of 4 stars; one submission).

Conditions:
Early-infantile DEE. Also called: Early infantile epileptic encephalopathy; Ohtahara syndrome; Early infantile epileptic encephalopathy with suppression bursts. Identifiers: Orphanet 1934, MedGen C0393706, MONDO:0800491.

Submission:

Labcorp Genetics (formerly Invitae), Labcorp
Classification: Uncertain significance for Early-infantile DEE. Last evaluated: 2022-07-01. Review status: criteria provided, single submitter. Criteria: Invitae Variant Classification Sherloc (09022015). Collection method: clinical testing. Allele origin: germline.
Comment: Algorithms developed to predict the effect of missense changes on protein structure and function (SIFT, PolyPhen-2, Align-GVGD) all suggest that this variant is likely to be disruptive. This variant has not been reported in the literature in individuals affected with SCN1A-related conditions. This variant is not present in population databases (gnomAD no frequency). This sequence change replaces glycine, which is neutral and non-polar, with serine, which is neutral and polar, at codon 1085 of the SCN1A protein (p.Gly1085Ser). In summary, the available evidence is currently insufficient to determine the role of this variant in disease. Therefore, it has been classified as a Variant of Uncertain Significance.

NM_001165963.4(SCN1A):c.3253G>A (p.Gly1085Ser)

Genes: SCN1A (sodium voltage-gated channel alpha subunit 1; minus strand), LOC102724058 (uncharacterized LOC102724058; plus strand). Cytogenetic location: 2q24.3.
Variant type: single nucleotide variant.
Coding change: c.3253G>A on transcript NM_001165963.4 (MANE Select); coding-DNA position 3253, G replaced by A.
Protein change: p.Gly1085Ser; replaces glycine 1085 with serine.
Molecular consequence: missense variant. On other transcripts: non-coding transcript variant (2).
Genome position (GRCh38, 1-based): chr2:166,036,224, C>T on the plus strand (G>A on the coding strand, the complement: SCN1A is on the minus strand). VCF-style: chr2-166036224-C-T. GRCh37 (hg19) VCF-style: chr2-166892734-C-T.
Other names: c.3169G>A, p.Gly1057Ser (NM_001165964.3, NM_001353957.2, NM_001353958.2); c.3253G>A, p.Gly1085Ser (NM_001202435.3, NM_001353948.2); c.3220G>A, p.Gly1074Ser (NM_001353949.2, NM_001353950.2, NM_001353951.2 and 2 more transcripts); c.3217G>A, p.Gly1073Ser (NM_001353954.2, NM_001353955.2); c.3166G>A, p.Gly1056Ser (NM_001353960.2); c.811G>A, p.Gly271Ser (NM_001353961.2); short protein forms G1085S, G271S, G1057S, G1074S, G1056S, G1073S.
Identifiers: ClinVar variation 2115101 (VCV002115101.4), dbSNP rs1014389113, ClinGen allele CA349059467.